The following is an entry in ClinVar:

NM_002968.3(SALL1):c.583G>A (p.Val195Ile)

Gene: SALL1 (spalt like transcription factor 1; minus strand). Cytogenetic location: 16q12.1.
Variant type: single nucleotide variant.
Coding change: c.583G>A on transcript NM_002968.3 (MANE Select); coding-DNA position 583, G replaced by A.
Protein change: p.Val195Ile; replaces valine 195 with isoleucine.
Molecular consequence: missense variant.
Genome position (GRCh38, 1-based): chr16:51,141,639, C>T on the plus strand (G>A on the coding strand, the complement: SALL1 is on the minus strand). VCF-style: chr16-51141639-C-T. GRCh37 (hg19) VCF-style: chr16-51175550-C-T.
Other names: c.292G>A, p.Val98Ile (NM_001127892.2); short protein forms V195I, V98I.
Identifiers: ClinVar variation 3048788 (VCV003048788.2), dbSNP rs546790476, ClinGen allele CA8053427.
Genomic context (GRCh38, chr16:51,141,639, plus strand): 5'-TCGCTTCCTGGGAGAACTGGGCCACCGCCACCTTGGTGCTCTGGAGGTTCTCGATGATGA[C>T]GTTGCTGTTGATTACGGAGAAGTTGCCCAGTGTTGTCAGGTCCCCGAGTTGAGGTAGAGA-3'
Protein context (NP_002959.2, residues 185-205): LGNFSVINSN[Val195Ile]IIENLQSTKV

ClinVar aggregate classification (germline): Likely benign (0 of 4 stars; one submission).

Conditions:
SALL1-related disorder. Also called: SALL1-related condition.

Allele frequency attached by ClinVar (database versions not stated): TOPMed 0.00001; gnomAD 0.00003; gnomAD exomes 0.00004; ExAC 0.00010.
gnomAD v4.1: 69 of 1,613,790 alleles (0.0043%); highest among the groups gnomAD compares: South Asian, 0.069%; no homozygotes.

Submission:

PreventionGenetics, part of Exact Sciences
Classification: Likely benign for SALL1-related condition. Last evaluated: 2022-08-22. Review status: no assertion criteria provided. Collection method: clinical testing. Allele origin: germline.
Comment: This variant is classified as likely benign based on ACMG/AMP sequence variant interpretation guidelines (Richards et al. 2015 PMID: 25741868, with internal and published modifications).